The following is an entry in ClinVar:

ClinVar aggregate classification (germline): Uncertain significance (1 of 4 stars; one submission).

Submission:

GeneDx
Classification: Uncertain significance. Last evaluated: 2024-03-14. Review status: criteria provided, single submitter. Criteria: GeneDx Variant Classification Process June 2021. Collection method: clinical testing. Allele origin: germline. Affected: yes.
Comment: Not observed at significant frequency in large population cohorts (gnomAD); In silico analysis supports a deleterious effect on splicing; Has not been previously published as pathogenic or benign to our knowledge

NM_005121.3(MED13):c.813T>G (p.Val271=)

Gene: MED13 (mediator complex subunit 13; minus strand). Cytogenetic location: 17q23.2.
Variant type: single nucleotide variant.
Coding change: c.813T>G on transcript NM_005121.3 (MANE Select); coding-DNA position 813, T replaced by G.
Protein change: p.Val271=; no amino-acid change (valine 271 retained).
Molecular consequence: synonymous variant.
Genome position (GRCh38, 1-based): chr17:62,033,788, A>C on the plus strand (T>G on the coding strand, the complement: MED13 is on the minus strand). VCF-style: chr17-62033788-A-C. GRCh37 (hg19) VCF-style: chr17-60111149-A-C.
Identifiers: ClinVar variation 3370929 (VCV003370929.1).